The following is an entry in ClinVar:

ClinVar aggregate classification (germline): Uncertain significance. Review status: criteria provided, multiple submitters, no conflicts (2 of 4 stars). 2 submissions from 2 submitters: Uncertain significance (2). Last evaluated 2025-10-02.

Conditions:
Inborn genetic diseases. Identifiers: MedGen C0950123, MeSH D030342.
Nemaline myopathy 2 (NEM2). Also called: Nemaline myopathy 2, autosomal recessive. Identifiers: MedGen C1850569, MONDO:0009725, OMIM 256030.

Allele frequency attached by ClinVar (database versions not stated): ExAC 0.00001; gnomAD 0.00001; ESP Exome Variant Server 0.00008; gnomAD exomes 0.00001.
gnomAD v4.1: 4 of 1,606,126 alleles (0.00025%); highest among the groups gnomAD compares: Non-Finnish European, 0.00034%; no homozygotes.

Submissions (2):

Ambry Genetics
Classification: Uncertain significance for Inborn genetic diseases. Last evaluated: 2025-10-02. Review status: criteria provided, single submitter. Criteria: Ambry Variant Classification Scheme 2023. Collection method: clinical testing. Allele origin: germline.

Labcorp Genetics (formerly Invitae), Labcorp
Classification: Uncertain significance for Nemaline myopathy 2. Last evaluated: 2022-04-04. Review status: criteria provided, single submitter. Criteria: Invitae Variant Classification Sherloc (09022015). Collection method: clinical testing. Allele origin: germline.
Comment: This sequence change replaces threonine, which is neutral and polar, with alanine, which is neutral and non-polar, at codon 3461 of the NEB protein (p.Thr3461Ala). This variant is present in population databases (rs370994489, gnomAD 0.002%). This variant has not been reported in the literature in individuals affected with NEB-related conditions. Algorithms developed to predict the effect of missense changes on protein structure and function are either unavailable or do not agree on the potential impact of this missense change (SIFT: "Deleterious"; PolyPhen-2: "Not Available"; Align-GVGD: "Class C0"). In summary, the available evidence is currently insufficient to determine the role of this variant in disease. Therefore, it has been classified as a Variant of Uncertain Significance.

NM_001164508.2(NEB):c.10381A>G (p.Thr3461Ala)

Gene: NEB (nebulin; minus strand). Cytogenetic location: 2q23.3.
Variant type: single nucleotide variant.
Coding change: c.10381A>G on transcript NM_001164508.2 (MANE Select); coding-DNA position 10381, A replaced by G.
Protein change: p.Thr3461Ala; replaces threonine 3461 with alanine.
Molecular consequence: missense variant.
Genome position (GRCh38, 1-based): chr2:151,625,605, T>C on the plus strand (A>G on the coding strand, the complement: NEB is on the minus strand). VCF-style: chr2-151625605-T-C. GRCh37 (hg19) VCF-style: chr2-152482119-T-C.
Other names: c.9652A>G (NM_004543.4); c.10381A>G, p.Thr3461Ala (NM_001164507.2, NM_001271208.2); c.9652A>G, p.Thr3218Ala (NM_004543.5); short protein forms T3218A, T3461A.
Identifiers: ClinVar variation 2053069 (VCV002053069.2), dbSNP rs370994489, ClinGen allele CA1909040.